The following is an entry in ClinVar:

ClinVar aggregate classification (germline): Uncertain significance (1 of 4 stars; one submission).

Conditions:
Cardiovascular phenotype. Identifiers: MedGen CN230736.

Submission:

Ambry Genetics
Classification: Uncertain significance for Cardiovascular phenotype. Last evaluated: 2024-04-26. Review status: criteria provided, single submitter. Criteria: Ambry Variant Classification Scheme 2023. Collection method: clinical testing. Allele origin: germline.
Comment: The p.P1211L variant (also known as c.3632C>T), located in coding exon 23 of the SOS1 gene, results from a C to T substitution at nucleotide position 3632. The proline at codon 1211 is replaced by leucine, an amino acid with similar properties. This amino acid position is conserved. In addition, the in silico prediction for this alteration is inconclusive. Based on the available evidence, the clinical significance of this variant remains unclear.

NM_005633.4(SOS1):c.3632C>T (p.Pro1211Leu)

Gene: SOS1 (SOS Ras/Rac guanine nucleotide exchange factor 1; minus strand). Cytogenetic location: 2p22.1.
Variant type: single nucleotide variant.
Coding change: c.3632C>T on transcript NM_005633.4 (MANE Select); coding-DNA position 3632, C replaced by T.
Protein change: p.Pro1211Leu; replaces proline 1211 with leucine.
Molecular consequence: missense variant.
Genome position (GRCh38, 1-based): chr2:38,986,194, G>A on the plus strand (C>T on the coding strand, the complement: SOS1 is on the minus strand). VCF-style: chr2-38986194-G-A. GRCh37 (hg19) VCF-style: chr2-39213335-G-A.
Other names: c.3611C>T, p.Pro1204Leu (NM_001382394.1); c.3587C>T, p.Pro1196Leu (NM_001382395.1); short protein forms P1211L, P1204L, P1196L.
Identifiers: ClinVar variation 3321541 (VCV003321541.1).
Genomic context (GRCh38, chr2:38,986,194, plus strand): 5'-AGTGGTGAGCTTGAGAAAACATCAGGTGTCCTCACAGGTTCTCGTGGTGGTAATAAGGGA[G>A]GGCTTTCAGGAGGGTCTGAGATAGAGGTCCGGTCTGATATTGAATATCGTGGTGAATAGG-3'
Protein context (NP_005624.2, residues 1201-1221): RTSISDPPES[Pro1211Leu]PLLPPREPVR